The following is an entry in ClinVar:

ClinVar aggregate classification (germline): Likely pathogenic (1 of 4 stars; one submission).

Conditions:
Abetalipoproteinaemia (ABL). Also called: Abetalipoproteinemia; Abetalipoproteinemia neuropathy; Apolipoprotein B deficiency; Congenital betalipoprotein deficiency syndrome; MTP DEFICIENCY. Identifiers: Orphanet 14, MedGen C0000744, MONDO:0008692, OMIM 200100, HP:0008181.

Submission:

Myriad Genetics, Inc.
Classification: Likely pathogenic for Abetalipoproteinaemia. Last evaluated: 2019-03-30. Review status: criteria provided, single submitter. Criteria: Myriad Women's Health Autosomal Recessive and X-Linked Classification Criteria (2019). Collection method: clinical testing. Allele origin: unknown.
Comment: NM_000253.2(MTTP):c.2125G>T(G709*) is expected to be pathogenic in the context of abetalipoproteinemia. This variant is predicted to lead to an abnormal or absent protein product due to the creation of a premature termination codon in MTTP, a gene where loss-of-function variants are known to be pathogenic. Please note: this variant was assessed in the context of healthy population screening.

NM_001386140.1(MTTP):c.2125G>T (p.Gly709Ter)

Gene: MTTP (microsomal triglyceride transfer protein; plus strand). Cytogenetic location: 4q23.
Variant type: single nucleotide variant.
Coding change: c.2125G>T on transcript NM_001386140.1 (MANE Select); coding-DNA position 2125, G replaced by T.
Protein change: p.Gly709Ter; replaces glycine 709 with a stop codon.
Molecular consequence: nonsense.
Genome position (GRCh38, 1-based): chr4:99,613,048, G>T. VCF-style: chr4-99613048-G-T. GRCh37 (hg19) VCF-style: chr4-100534205-G-T.
Other names: c.2125G>T, p.Gly709Ter (NM_000253.4); c.1876G>T, p.Gly626Ter (NM_001300785.2); short protein forms G626*, G709*.
Identifiers: ClinVar variation 983776 (VCV000983776.3), dbSNP rs1726001209, ClinGen allele CA357517171.